The following is an entry in ClinVar:

NM_004385.5(VCAN):c.3262C>T (p.Pro1088Ser)

Gene: VCAN (versican; plus strand). Cytogenetic location: 5q14.3.
Variant type: single nucleotide variant.
Coding change: c.3262C>T on transcript NM_004385.5 (MANE Select); coding-DNA position 3262, C replaced by T.
Protein change: p.Pro1088Ser; replaces proline 1088 with serine.
Molecular consequence: missense variant. On other transcripts: intron variant (2).
Genome position (GRCh38, 1-based): chr5:83,521,568, C>T. VCF-style: chr5-83521568-C-T. GRCh37 (hg19) VCF-style: chr5-82817387-C-T.
Other names: c.1042+9172C>T (NM_001164097.2, NM_001126336.3); c.3262C>T, p.Pro1088Ser (NM_001164098.2); short protein forms P1088S.
Identifiers: ClinVar variation 1525922 (VCV001525922.6), dbSNP rs1240230001, ClinGen allele CA360305683.
Genomic context (GRCh38, chr5:83,521,568, plus strand): 5'-GGCGATGGATCAGCATATACAGTCTCTGAAGATGAATTGTTGACAGGTTCTGAGAGGGTC[C>T]CAGTTTTAGAAACAACTCCAGTTGGAAAAATTGATCACAGTGTGTCTTATCCACCAGGTG-3'
Protein context (NP_004376.2, residues 1078-1098): DELLTGSERV[Pro1088Ser]VLETTPVGKI

ClinVar aggregate classification (germline): Uncertain significance (1 of 4 stars; one submission).

Allele frequency attached by ClinVar (database versions not stated): gnomAD exomes below 0.00001; gnomAD 0.00001.
gnomAD v4.1: 5 of 1,613,876 alleles (0.00031%); highest among the groups gnomAD compares: Non-Finnish European, 0.00042%; no homozygotes.

Submission:

Labcorp Genetics (formerly Invitae), Labcorp
Classification: Uncertain significance. Last evaluated: 2022-06-27. Review status: criteria provided, single submitter. Criteria: Invitae Variant Classification Sherloc (09022015). Collection method: clinical testing. Allele origin: germline.
Comment: In summary, the available evidence is currently insufficient to determine the role of this variant in disease. Therefore, it has been classified as a Variant of Uncertain Significance. Algorithms developed to predict the effect of missense changes on protein structure and function output the following: SIFT: "Tolerated"; PolyPhen-2: "Benign"; Align-GVGD: "Class C0". The serine amino acid residue is found in multiple mammalian species, which suggests that this missense change does not adversely affect protein function. This variant has not been reported in the literature in individuals affected with VCAN-related conditions. This variant is present in population databases (no rsID available, gnomAD 0.01%). This sequence change replaces proline, which is neutral and non-polar, with serine, which is neutral and polar, at codon 1088 of the VCAN protein (p.Pro1088Ser).